The following is an entry in ClinVar:

NM_001297595.2(SIN3B):c.45_52del (p.Ala17fs)

Gene: SIN3B (SIN3 transcription regulator family member B; plus strand). Cytogenetic location: 19p13.11.
Variant type: Deletion.
Coding change: c.45_52del on transcript NM_001297595.2 (MANE Select); coding-DNA positions 45 to 52, 8 bases deleted (CCCCGCGG; older notation c.45_52delCCCCGCGG).
Protein change: p.Ala17fs; shifts the reading frame from alanine 17.
Molecular consequence: frameshift variant.
Genome position (GRCh38, 1-based): chr19:16,829,465-16,829,472, CCCCGCGG deleted; deleting any 8 consecutive bases within chr19:16,829,461-16,829,472 gives the same sequence; the c. name uses the placement nearest the transcript's 3' end. VCF-style (leftmost placement, unchanged base first): chr19-16829460-GGCGGCCCC-G. GRCh37 (hg19) VCF-style: chr19-16940271-GGCGGCCCC-G.
Other names: c.45_52del, p.Ala17fs (NM_015260.4); short protein forms A17fs.
Identifiers: ClinVar variation 4531710 (VCV004531710.1).

ClinVar aggregate classification (germline): Uncertain significance (1 of 4 stars; one submission).

Conditions:
Neurodevelopmental disorder. Identifiers: MedGen C1535926, MeSH D065886, MONDO:0700092.

Submission:

Victorian Clinical Genetics Services, Murdoch Childrens Research Institute
Classification: Uncertain significance for Neurodevelopmental disorder. Last evaluated: 2024-11-20. Review status: criteria provided, single submitter. Criteria: ACMG Guidelines, 2015. Collection method: clinical testing. Allele origin: germline. Affected: yes.
Comment: This variant is classified as VUS-3A. Evidence in support of pathogenic classification: Variant is predicted to cause nonsense-mediated decay (NMD) and loss of protein (premature termination codon is located at least 54 nucleotides upstream of the final exon-exon junction); Variant is absent from gnomAD (v2, v3 and v4); Another NMD-predicted variant comparable to the one identified in this case has limited previous evidence for pathogenicity. p.(Arg527Glyfs*12) has been described in an individual with mild intellectual disability, echolalia, epilepsy and dysmorphic features (PMID: 33811806). Additional information: This variant is heterozygous; This gene is associated with autosomal dominant disease; This variant has no previous evidence of pathogenicity; No published segregation evidence has been identified for this variant; No published functional evidence has been identified for this variant; Loss of function is a likely mechanism of disease in this gene and is associated with neurodevelopmental disorder (MONDO#0700092), SIN3B-related.

Literature cited by the submitters: PubMed 33811806.